The following is an entry in ClinVar:

NM_004360.5(CDH1):c.1325T>C (p.Leu442Ser)

Gene: CDH1 (cadherin 1; plus strand). Cytogenetic location: 16q22.1.
Variant type: single nucleotide variant.
Coding change: c.1325T>C on transcript NM_004360.5 (MANE Select); coding-DNA position 1325, T replaced by C.
Protein change: p.Leu442Ser; replaces leucine 442 with serine.
Molecular consequence: missense variant. On other transcripts: 5 prime UTR variant (2).
Genome position (GRCh38, 1-based): chr16:68,815,519, T>C. VCF-style: chr16-68815519-T-C. GRCh37 (hg19) VCF-style: chr16-68849422-T-C.
Other names: c.1325T>C (LRG_301t1); c.1142T>C, p.Leu381Ser (NM_001317184.2); c.-224T>C (NM_001317185.2); c.-495T>C (NM_001317186.2); short protein forms L442S, L381S.
Identifiers: ClinVar variation 231246 (VCV000231246.29), dbSNP rs752074266, ClinGen allele CA8130071.

ClinVar aggregate classification (germline): Uncertain significance. Review status: criteria provided, multiple submitters, no conflicts (2 of 4 stars). 9 submissions from 9 submitters: Uncertain significance (9). Last evaluated 2025-12-20.

Conditions:
Hereditary cancer-predisposing syndrome. Also called: Hereditary Cancer Syndrome; Neoplastic Syndromes, Hereditary; Tumor predisposition; Hereditary neoplastic syndrome. Identifiers: Orphanet 140162, MedGen C0027672, MeSH D009386, MONDO:0015356.
Hereditary diffuse gastric adenocarcinoma (HDGC). Also called: DIFFUSE GASTRIC AND LOBULAR BREAST CANCER SYNDROME. Identifiers: Orphanet 26106, MedGen C1708349, MONDO:0007648, OMIM 137215.
Familial cancer of breast. Also called: Hereditary breast cancer; hereditary breast carcinoma; BREAST CANCER, FAMILIAL. Identifiers: Orphanet 227535, MedGen C0346153, MONDO:0016419, OMIM 114480. Disease mechanism: loss of function.

Allele frequency attached by ClinVar (database versions not stated): ExAC 0.00001; gnomAD 0.00001; TOPMed 0.00001; gnomAD exomes 0.00001.
gnomAD v4.1: 8 of 1,614,116 alleles (0.0005%); highest among the groups gnomAD compares: Admixed American, 0.012%; no homozygotes.

Submissions (9):

Labcorp Genetics (formerly Invitae), Labcorp
Classification: Uncertain significance for Hereditary diffuse gastric adenocarcinoma. Last evaluated: 2025-12-20. Review status: criteria provided, single submitter. Criteria: Invitae Variant Classification Sherloc (09022015). Collection method: clinical testing. Allele origin: germline.
Comment: This sequence change replaces leucine, which is neutral and non-polar, with serine, which is neutral and polar, at codon 442 of the CDH1 protein (p.Leu442Ser). This variant is present in population databases (rs752074266, gnomAD 0.009%). This missense change has been observed in individuals with diffuse gastric cancer or breast and/or ovarian cancer (PMID: 31159747, 31206626, 36436516; internal data). ClinVar contains an entry for this variant (Variation ID: 231246). An algorithm developed to predict the effect of missense changes on protein structure and function (PolyPhen-2) suggests that this variant is likely to be disruptive. In summary, the available evidence is currently insufficient to determine the role of this variant in disease. Therefore, it has been classified as a Variant of Uncertain Significance.

Quest Diagnostics Nichols Institute San Juan Capistrano
Classification: Uncertain significance. Last evaluated: 2024-12-07. Review status: criteria provided, single submitter. Criteria: Quest Diagnostics criteria. Collection method: clinical testing. Allele origin: unknown.
Comment: The CDH1 c.1325T>C (p.Leu442Ser) variant has been reported in the published literature in individuals with a personal and/or family history of breast cancer (PMID: 36436516 (2023), 33471991 (2021), 31159747 (2019), see also LOVD), and in reportedly healthy individuals (PMID: 33471991 (2021), 31206626 (2019), see also LOVD). The frequency of this variant in the general population (Genome Aggregation Database) is higher than would generally be expected for pathogenic variants in this gene. Analysis of this variant using bioinformatics tools for the prediction of the effect of amino acid changes on protein structure and function yielded predictions that this variant is damaging. Based on the available information, we are unable to determine the clinical significance of this variant.

Ambry Genetics
Classification: Uncertain significance for Hereditary cancer-predisposing syndrome. Last evaluated: 2024-05-28. Review status: criteria provided, single submitter. Criteria: Ambry Variant Classification Scheme 2023. Collection method: clinical testing. Allele origin: germline.
Comment: The p.L442S variant (also known as c.1325T>C), located in coding exon 10 of the CDH1 gene, results from a T to C substitution at nucleotide position 1325. The leucine at codon 442 is replaced by serine, an amino acid with dissimilar properties. This amino acid position is highly conserved in available vertebrate species. In addition, this alteration is predicted to be deleterious by in silico analysis. Based on the available evidence, the clinical significance of this variant remains unclear.

Baylor Genetics
Classification: Uncertain significance for Familial cancer of breast. Last evaluated: 2024-02-05. Review status: criteria provided, single submitter. Criteria: ACMG Guidelines, 2015. Collection method: clinical testing. Allele origin: unknown.

GeneDx
Classification: Uncertain significance. Last evaluated: 2023-01-19. Review status: criteria provided, single submitter. Criteria: GeneDx Variant Classification Process June 2021. Collection method: clinical testing. Allele origin: germline. Affected: yes.
Comment: In silico analysis supports that this missense variant has a deleterious effect on protein structure/function; Observed in an individual with a personal or family history of breast, ovarian, and/or other cancers (Tsaousis et al., 2019); This variant is associated with the following publications: (PMID: 31159747, 15235021, 22850631)

Color Diagnostics, LLC DBA Color Health
Classification: Uncertain significance for Hereditary cancer-predisposing syndrome. Last evaluated: 2022-11-16. Review status: criteria provided, single submitter. Criteria: ACMG Guidelines, 2015. Collection method: clinical testing. Allele origin: germline.
Comment: This missense variant replaces leucine with serine at codon 442 of the CDH1 protein. To our knowledge, functional studies have not been reported for this variant. This variant has not been reported in individuals affected with CDH1-related disorders in the literature. This variant has been identified in 3/251424 chromosomes in the general population by the Genome Aggregation Database (gnomAD). The available evidence is insufficient to determine the role of this variant in disease conclusively. Therefore, this variant is classified as a Variant of Uncertain Significance.

European Reference Network on Genetic Tumour Risk Syndromes (ERN-GENTURIS), i3s - Instituto de Investigação e Inovação em Saúde, University of Porto
Classification: Uncertain significance for Hereditary diffuse gastric adenocarcinoma. Last evaluated: 2022-08-01. Review status: criteria provided, single submitter. Criteria: Lee et al. (Hum Mutat. 2018). Collection method: clinical testing. Allele origin: germline. Inheritance: Autosomal dominant inheritance. Affected: no. Study: ERN GENTURIS.
Comment: Not applicable criteria (PMID: 30311375)

Sema4
Classification: Uncertain significance for Hereditary cancer-predisposing syndrome. Last evaluated: 2022-01-01. Review status: criteria provided, single submitter. Criteria: Sema4 Curation Guidelines. Collection method: curation. Allele origin: germline.
Comment: The CDH1 c.1325T>C (p.L442S) variant has been reported in at least one individual with breast cancer, as well as in an individual undergoing hereditary cancer multi-gene panel testing (PMID: 33471991, 31159747). It was observed in 3/34592 chromosomes of the Latino subpopulation in the large and broad cohorts of the Genome Aggregation Database (PMID: 32461654). The variant has been reported in ClinVar (Variation ID 231246). In silico tools suggest the impact of the variant on protein function is deleterious, though these predictions have not been confirmed by functional studies. The evidence is insufficient to meet ACMG/AMP criteria for classifying the variant as benign or pathogenic. Thus, the clinical significance of this variant is currently uncertain.

GeneKor MSA
Classification: Uncertain significance for Hereditary cancer-predisposing syndrome. Last evaluated: 2018-08-01. Review status: criteria provided, single submitter. Criteria: ACMG Guidelines, 2015. Collection method: clinical testing. Allele origin: germline. Affected: yes.

Literature cited by the submitters: PubMed 31159747 (cited by 4 submitters); PubMed 31206626 (cited by Labcorp Genetics (formerly Invitae), Labcorp and Quest Diagnostics Nichols Institute San Juan Capistrano); PubMed 36436516 (cited by 3 submitters); PubMed 33471991 (cited by Quest Diagnostics Nichols Institute San Juan Capistrano and Sema4).